The following is an entry in ClinVar:

ClinVar aggregate classification (germline): Uncertain significance (1 of 4 stars; one submission).

Conditions:
3-methylcrotonyl-CoA carboxylase 2 deficiency. Also called: METHYLCROTONYLGLYCINURIA, TYPE II; 3 alpha methylcrotonyl-CoA carboxylase 2 deficiency; 3 alpha methylcrotonylglycinuria 2; MCC 2 deficiency; Methylcrotonylglycinuria type 2. Identifiers: Orphanet 6, MedGen C1859499, MONDO:0008862, OMIM 210210.

Allele frequency attached by ClinVar (database versions not stated): gnomAD exomes below 0.00001 and 0.00001; gnomAD 0.00001; TOPMed 0.00001; ExAC 0.00002.
gnomAD v4.1: 7 of 1,613,930 alleles (0.00043%); highest among the groups gnomAD compares: South Asian, 0.0011%; no homozygotes.

Submission:

Labcorp Genetics (formerly Invitae), Labcorp
Classification: Uncertain significance for 3-methylcrotonyl-CoA carboxylase 2 deficiency. Last evaluated: 2025-04-19. Review status: criteria provided, single submitter. Criteria: Invitae Variant Classification Sherloc (09022015). Collection method: clinical testing. Allele origin: germline.
Comment: This sequence change replaces tyrosine, which is neutral and polar, with cysteine, which is neutral and slightly polar, at codon 463 of the MCCC2 protein (p.Tyr463Cys). This variant is present in population databases (rs778734586, gnomAD 0.002%). This variant has not been reported in the literature in individuals affected with MCCC2-related conditions. ClinVar contains an entry for this variant (Variation ID: 1475926). Invitae Evidence Modeling of protein sequence and biophysical properties (such as structural, functional, and spatial information, amino acid conservation, physicochemical variation, residue mobility, and thermodynamic stability) has been performed for this missense variant. However, the output from this modeling did not meet the statistical confidence thresholds required to predict the impact of this variant on MCCC2 protein function. In summary, the available evidence is currently insufficient to determine the role of this variant in disease. Therefore, it has been classified as a Variant of Uncertain Significance.

NM_022132.5(MCCC2):c.1388A>G (p.Tyr463Cys)

Gene: MCCC2 (methylcrotonyl-CoA carboxylase subunit 2; plus strand). Cytogenetic location: 5q13.2.
Variant type: single nucleotide variant.
Coding change: c.1388A>G on transcript NM_022132.5 (MANE Select); coding-DNA position 1388, A replaced by G.
Protein change: p.Tyr463Cys; replaces tyrosine 463 with cysteine.
Molecular consequence: missense variant.
Genome position (GRCh38, 1-based): chr5:71,650,083, A>G. VCF-style: chr5-71650083-A-G. GRCh37 (hg19) VCF-style: chr5-70945910-A-G.
Other names: c.1274A>G, p.Tyr425Cys (NM_001363147.1); short protein forms Y463C, Y425C.
Identifiers: ClinVar variation 1475926 (VCV001475926.4), dbSNP rs778734586, ClinGen allele CA3298138.